The following is an entry in ClinVar:

ClinVar aggregate classification (germline): Uncertain significance (1 of 4 stars; one submission).

Conditions:
Chédiak-Higashi syndrome (CHS). Also called: Chediak-Higashi Syndrome. Identifiers: Orphanet 167, MedGen C0007965, MONDO:0008963, OMIM 214500.

Submission:

Labcorp Genetics (formerly Invitae), Labcorp
Classification: Uncertain significance for Chédiak-Higashi syndrome. Last evaluated: 2022-03-23. Review status: criteria provided, single submitter. Criteria: Invitae Variant Classification Sherloc (09022015). Collection method: clinical testing. Allele origin: germline.
Comment: In summary, the available evidence is currently insufficient to determine the role of this variant in disease. Therefore, it has been classified as a Variant of Uncertain Significance. Algorithms developed to predict the effect of missense changes on protein structure and function are either unavailable or do not agree on the potential impact of this missense change (SIFT: "Tolerated"; PolyPhen-2: "Possibly Damaging"; Align-GVGD: "Class C0"). This variant has not been reported in the literature in individuals affected with LYST-related conditions. This variant is not present in population databases (gnomAD no frequency). This sequence change replaces threonine, which is neutral and polar, with asparagine, which is neutral and polar, at codon 1598 of the LYST protein (p.Thr1598Asn).

NM_000081.4(LYST):c.4793C>A (p.Thr1598Asn)

Gene: LYST (lysosomal trafficking regulator; minus strand). Cytogenetic location: 1q42.3.
Variant type: single nucleotide variant.
Coding change: c.4793C>A on transcript NM_000081.4 (MANE Select); coding-DNA position 4793, C replaced by A.
Protein change: p.Thr1598Asn; replaces threonine 1598 with asparagine.
Molecular consequence: missense variant.
Genome position (GRCh38, 1-based): chr1:235,787,269, G>T on the plus strand (C>A on the coding strand, the complement: LYST is on the minus strand). VCF-style: chr1-235787269-G-T. GRCh37 (hg19) VCF-style: chr1-235950569-G-T.
Other names: c.4793C>A, p.Thr1598Asn (NM_001301365.1); short protein forms T1598N.
Identifiers: ClinVar variation 2115863 (VCV002115863.4), dbSNP rs377396577, ClinGen allele CA344957461.